The following is an entry in ClinVar:

ClinVar aggregate classification (germline): Uncertain significance (1 of 4 stars; one submission).

Conditions:
Progressive familial heart block type IB (PFHB1B). Identifiers: Orphanet 871, MedGen C1970298, MONDO:0011474, OMIM 604559.

Submission:

Labcorp Genetics (formerly Invitae), Labcorp
Classification: Uncertain significance for Progressive familial heart block type IB. Last evaluated: 2021-08-19. Review status: criteria provided, single submitter. Criteria: Invitae Variant Classification Sherloc (09022015). Collection method: clinical testing. Allele origin: germline.
Comment: This variant results in a copy number gain of the genomic region encompassing exon(s) 10-12 of the TRPM4 gene. While the exact position of this variant cannot be determined from the data, sub-genic copy number gains are generally in tandem (PMID: 25640679). This variant is predicted to be out-of-frame, and may result in an absent or disrupted protein product. However, the current clinical and genetic evidence is not sufficient to establish whether loss-of-function variants in TRPM4 cause disease. This variant has not been reported in the literature in individuals with TRPM4-related conditions. Experimental studies and prediction algorithms are not available or were not evaluated, and the functional significance of this variant is currently unknown. In summary, the available evidence is currently insufficient to determine the role of this variant in disease. Therefore, it has been classified as a Variant of Uncertain Significance.

Literature cited by the submitters: PubMed 25640679.

NC_000019.9:g.(?_49684586)_(49686489_?)dup

Gene: TRPM4 (transient receptor potential cation channel subfamily M member 4; plus strand). Cytogenetic location: 19q13.33.
Variant type: Duplication.
Identifiers: ClinVar variation 1450706 (VCV001450706.4).